The following is an entry in ClinVar:

ClinVar aggregate classification (germline): Uncertain significance. Review status: criteria provided, multiple submitters, no conflicts (2 of 4 stars). 2 submissions from 2 submitters: Uncertain significance (2). Last evaluated 2024-08-25.

Conditions:
Hereditary spastic paraplegia 11. Also called: SPASTIC PARAPLEGIA, AUTOSOMAL RECESSIVE, COMPLICATED, WITH THIN CORPUS CALLOSUM; SPASTIC PARAPLEGIA, AUTOSOMAL RECESSIVE, WITH MENTAL IMPAIRMENT AND THIN CORPUS CALLOSUM; Spastic Paraplegia 11; Nakamura Osame syndrome; Autosomal recessive hereditary spastic paraplegia, mental impairment, and thin corpus callosum; Spastic paraplegia, mental retardation and thin corpus callosum. Identifiers: Orphanet 2822, MedGen C1858479, MONDO:0011445, OMIM 604360.
Charcot-Marie-Tooth disease axonal type 2X. Also called: CHARCOT-MARIE-TOOTH DISEASE, AXONAL, AUTOSOMAL RECESSIVE, TYPE 2X; CHARCOT-MARIE-TOOTH NEUROPATHY, TYPE 2X. Identifiers: Orphanet 466775, MedGen C5569024, MONDO:0014726, OMIM 616668.
Amyotrophic lateral sclerosis type 5 (ALS5). Also called: AMYOTROPHIC LATERAL SCLEROSIS 5, JUVENILE. Identifiers: Orphanet 300605, MedGen C1865864, MONDO:0011196, OMIM 602099.

gnomAD v4.1: 11 of 1,593,494 alleles (0.00069%); highest among the groups gnomAD compares: South Asian, 0.0011%; no homozygotes.

Submissions (2):

GeneDx
Classification: Uncertain significance. Last evaluated: 2024-08-25. Review status: criteria provided, single submitter. Criteria: GeneDx Variant Classification Process June 2021. Collection method: clinical testing. Allele origin: germline. Affected: yes.
Comment: Not observed at significant frequency in large population cohorts (gnomAD); In silico analysis supports that this missense variant has a deleterious effect on protein structure/function; Has not been previously published as pathogenic or benign to our knowledge

Fulgent Genetics
Classification: Uncertain significance for Amyotrophic lateral sclerosis type 5; Hereditary spastic paraplegia 11; Charcot-Marie-Tooth disease axonal type 2X. Last evaluated: 2024-03-20. Review status: criteria provided, single submitter. Criteria: ACMG Guidelines, 2015. Collection method: clinical testing. Allele origin: germline.

NM_025137.4(SPG11):c.6493G>A (p.Gly2165Ser)

Gene: SPG11 (SPG11 vesicle trafficking associated, spatacsin; minus strand). Cytogenetic location: 15q21.1.
Variant type: single nucleotide variant.
Coding change: c.6493G>A on transcript NM_025137.4 (MANE Select); coding-DNA position 6493, G replaced by A.
Protein change: p.Gly2165Ser; replaces glycine 2165 with serine.
Molecular consequence: missense variant.
Genome position (GRCh38, 1-based): chr15:44,569,490, C>T on the plus strand (G>A on the coding strand, the complement: SPG11 is on the minus strand). VCF-style: chr15-44569490-C-T. GRCh37 (hg19) VCF-style: chr15-44861688-C-T.
Other names: c.6154G>A, p.Gly2052Ser (NM_001160227.2); c.6349G>A, p.Gly2117Ser (NM_001411132.1); c.6493G>A (NM_025137.3); short protein forms G2052S, G2165S, G2117S.
Identifiers: ClinVar variation 3577138 (VCV003577138.2).